The following is an entry in ClinVar:

NM_152594.3(SPRED1):c.867del (p.Lys289fs)

Gene: SPRED1 (sprouty related EVH1 domain containing 1; plus strand). Cytogenetic location: 15q14.
Variant type: Deletion.
Coding change: c.867del on transcript NM_152594.3 (MANE Select); coding-DNA position 867, one base deleted (A; older notation c.867delA).
Protein change: p.Lys289fs; shifts the reading frame from lysine 289.
Molecular consequence: frameshift variant.
Genome position (GRCh38, 1-based): chr15:38,351,196, A deleted; the last of 6 consecutive A bases (chr15:38,351,191-38,351,196); deleting any one gives the same sequence. VCF-style (leftmost placement, unchanged base first): chr15-38351190-TA-T. GRCh37 (hg19) VCF-style: chr15-38643391-TA-T.
Other names: short protein forms K289fs.
Identifiers: ClinVar variation 4278077 (VCV004278077.2).
Genomic context (GRCh38, chr15:38,351,190, plus strand): 5'-GAAAAATGACTTGGAAAGAGATGATGCTGATTCCAGTATTCAGTTTTCTAAACCAGACAG[TA>T]AAAAATCAGACTATCTGTACTCTTGTGGGGATGAGACTAAGTTAAGTTCACCCAAAGACT-3'

ClinVar aggregate classification (germline): Pathogenic/Likely pathogenic. Review status: criteria provided, multiple submitters, no conflicts (2 of 4 stars). 2 submissions from 2 submitters: Pathogenic (1); Likely pathogenic (1). Last evaluated 2025-09-10.

Conditions:
Legius syndrome. Identifiers: Orphanet 137605, MedGen C1969623, MONDO:0012669, OMIM 611431. Disease mechanism: loss of function.

Submissions (2):

Genomic Medicine Center of Excellence, King Faisal Specialist Hospital and Research Centre
Classification: Likely pathogenic for Legius syndrome. Last evaluated: 2025-09-10. Review status: criteria provided, single submitter. Criteria: ACMG Guidelines, 2015. Collection method: clinical testing. Allele origin: germline.

Labcorp Genetics (formerly Invitae), Labcorp
Classification: Pathogenic for Legius syndrome. Last evaluated: 2025-09-08. Review status: criteria provided, single submitter. Criteria: Invitae Variant Classification Sherloc (09022015). Collection method: clinical testing. Allele origin: germline.
Comment: This sequence change creates a premature translational stop signal (p.Lys289Asnfs*14) in the SPRED1 gene. While this is not anticipated to result in nonsense mediated decay, it is expected to disrupt the last 156 amino acid(s) of the SPRED1 protein. This variant is not present in population databases (gnomAD no frequency). This variant has not been reported in the literature in individuals affected with SPRED1-related conditions. This variant disrupts a region of the SPRED1 protein in which other variant(s) (p.Cys418Alafs*6) have been determined to be pathogenic (PMID: 19920235; internal data). This suggests that this is a clinically significant region of the protein, and that variants that disrupt it are likely to be disease-causing. For these reasons, this variant has been classified as Pathogenic.

Literature cited by the submitters: PubMed 19920235 (cited by Labcorp Genetics (formerly Invitae), Labcorp).